The following is an entry in ClinVar:

ClinVar aggregate classification (germline): Benign. Review status: criteria provided, multiple submitters, no conflicts (2 of 4 stars). 24 submissions from 17 submitters: Benign (21). 3 of the submissions do not count toward it. Last evaluated 2026-02-04.

Conditions:
Cardiovascular phenotype. Identifiers: MedGen CN230736.
Dilated cardiomyopathy 1G (CMD1G). Identifiers: Orphanet 154, MedGen C1858763, MONDO:0011400, OMIM 604145.
Autosomal recessive limb-girdle muscular dystrophy type 2J (LGMDR10). Also called: MUSCULAR DYSTROPHY, LIMB-GIRDLE, AUTOSOMAL RECESSIVE 10; Limb-girdle muscular dystrophy, type 2J. Identifiers: Orphanet 140922, MedGen C1837342, MONDO:0012127, OMIM 608807.
Early-onset myopathy with fatal cardiomyopathy (CMYO5). Also called: CONGENITAL MYOPATHY 5 WITH CARDIOMYOPATHY; Salih Myopathy. Identifiers: Orphanet 289377, MedGen C2673677, MONDO:0012714, OMIM 611705. Disease mechanism: loss of function.
Myopathy, myofibrillar, 9, with early respiratory failure (MFM9). Also called: Myopathy, distal, with early respiratory failure, autosomal dominant; Hereditary myopathy with early respiratory failure; MYOPATHY, PROXIMAL, WITH EARLY RESPIRATORY MUSCLE INVOLVEMENT; EDSTROM MYOPATHY. Identifiers: Orphanet 178464, Orphanet 34521, MedGen C1863599, MONDO:0011362, OMIM 603689.
Tibial muscular dystrophy (TMD). Also called: Udd Distal Myopathy – Tibial Muscular Dystrophy; Tibial muscular dystrophy, tardive; UDD MYOPATHY. Identifiers: Orphanet 609, MedGen C1838244, MONDO:0010870, OMIM 600334.

Allele frequency attached by ClinVar (database versions not stated): gnomAD 0.04508 and 0.04384; ExAC 0.04876; 1000 Genomes Project 30x 0.07214; 1000 Genomes Project 0.07528; gnomAD exomes 0.03156 and 0.04756; ESP Exome Variant Server 0.03484; TOPMed 0.04685.
gnomAD v4.1: 53,234 of 1,613,856 alleles (3.3%); highest among the groups gnomAD compares: East Asian, 19%; 1,700 homozygotes.

Submissions (24):

Labcorp Genetics (formerly Invitae), Labcorp
Classification: Benign for Dilated cardiomyopathy 1G; Autosomal recessive limb-girdle muscular dystrophy type 2J. Last evaluated: 2026-02-04. Review status: criteria provided, single submitter. Criteria: Invitae Variant Classification Sherloc (09022015). Collection method: clinical testing. Allele origin: germline.

Molecular Diagnostic Laboratory for Inherited Cardiovascular Disease, Montreal Heart Institute
Classification: Benign. Last evaluated: 2025-04-09. Review status: criteria provided, single submitter. Criteria: ACMG Guidelines, 2015. Collection method: clinical testing. Allele origin: germline. Affected: no.

Genome-Nilou Lab
Classification: Benign for Autosomal recessive limb-girdle muscular dystrophy type 2J. Last evaluated: 2021-09-10. Review status: criteria provided, single submitter. Criteria: ACMG Guidelines, 2015. Collection method: clinical testing. Allele origin: germline. Affected: no.

Genome-Nilou Lab
Classification: Benign for Myopathy, myofibrillar, 9, with early respiratory failure. Last evaluated: 2021-09-10. Review status: criteria provided, single submitter. Criteria: ACMG Guidelines, 2015. Collection method: clinical testing. Allele origin: germline. Affected: no.

Genome-Nilou Lab
Classification: Benign for Early-onset myopathy with fatal cardiomyopathy. Last evaluated: 2021-09-10. Review status: criteria provided, single submitter. Criteria: ACMG Guidelines, 2015. Collection method: clinical testing. Allele origin: germline. Affected: no.

Genome-Nilou Lab
Classification: Benign for Tibial muscular dystrophy. Last evaluated: 2021-09-10. Review status: criteria provided, single submitter. Criteria: ACMG Guidelines, 2015. Collection method: clinical testing. Allele origin: germline. Affected: no.

Women's Health and Genetics/Laboratory Corporation of America, LabCorp
Classification: Benign. Last evaluated: 2019-09-14. Review status: criteria provided, single submitter. Criteria: LabCorp Variant Classification Summary - May 2015. Collection method: clinical testing. Allele origin: germline.

Athena Diagnostics
Classification: Benign. Last evaluated: 2018-12-14. Review status: criteria provided, single submitter. Criteria: Athena Diagnostics Criteria. Collection method: clinical testing. Allele origin: germline.

Illumina Laboratory Services, Illumina
Classification: Benign for Dilated cardiomyopathy 1G. Last evaluated: 2018-01-13. Review status: criteria provided, single submitter. Criteria: ICSL Variant Classification Criteria 13 December 2019. Collection method: clinical testing. Allele origin: germline.
Comment: This variant was observed in the ICSL laboratory as part of a predisposition screen in an ostensibly healthy population. It had not been previously curated by ICSL or reported in the Human Gene Mutation Database (HGMD: prior to June 1st, 2018), and was therefore a candidate for classification through an automated scoring system. Utilizing variant allele frequency, disease prevalence and penetrance estimates, and inheritance mode, an automated score was calculated to assess if this variant is too frequent to cause the disease. Based on the score and internal cut-off values, a variant classified as benign is not then subjected to further curation. The score for this variant resulted in a classification of benign for this disease.

Illumina Laboratory Services, Illumina
Classification: Benign for Early-onset myopathy with fatal cardiomyopathy. Last evaluated: 2018-01-13. Review status: criteria provided, single submitter. Criteria: ICSL Variant Classification Criteria 13 December 2019. Collection method: clinical testing. Allele origin: germline.
Comment: the same text as in the submission from Illumina Laboratory Services, Illumina above.

Illumina Laboratory Services, Illumina
Classification: Benign for Autosomal recessive limb-girdle muscular dystrophy type 2J. Last evaluated: 2018-01-13. Review status: criteria provided, single submitter. Criteria: ICSL Variant Classification Criteria 13 December 2019. Collection method: clinical testing. Allele origin: germline.
Comment: the same text as in the submission from Illumina Laboratory Services, Illumina above.

Illumina Laboratory Services, Illumina
Classification: Benign for Tibial muscular dystrophy. Last evaluated: 2018-01-13. Review status: criteria provided, single submitter. Criteria: ICSL Variant Classification Criteria 13 December 2019. Collection method: clinical testing. Allele origin: germline.
Comment: the same text as in the submission from Illumina Laboratory Services, Illumina above.

Illumina Laboratory Services, Illumina
Classification: Benign for Myopathy, myofibrillar, 9, with early respiratory failure. Last evaluated: 2018-01-13. Review status: criteria provided, single submitter. Criteria: ICSL Variant Classification Criteria 13 December 2019. Collection method: clinical testing. Allele origin: germline.
Comment: the same text as in the submission from Illumina Laboratory Services, Illumina above.

Mayo Clinic Laboratories, Mayo Clinic
Classification: Benign. Last evaluated: 2017-10-04. Review status: criteria provided, single submitter. Criteria: ACMG Guidelines, 2015. Collection method: clinical testing. Allele origin: germline. Observed: 148 variant alleles.

Eurofins Ntd Llc (ga)
Classification: Benign. Last evaluated: 2013-10-18. Review status: criteria provided, single submitter. Criteria: EGL Classification Definitions 2015. Collection method: clinical testing. Allele origin: germline. Observed: 2 variant alleles, 2 heterozygotes.

Genetic Services Laboratory, University of Chicago
Classification: Benign for AllHighlyPenetrant. Last evaluated: 2013-08-15. Review status: criteria provided, single submitter. Criteria: ACMG Guidelines, 2007. Collection method: clinical testing. Allele origin: germline.

GeneDx
Classification: Benign. Last evaluated: 2013-04-29. Review status: criteria provided, single submitter. Criteria: GeneDx Variant Classification (06012015). Collection method: clinical testing. Allele origin: germline. Affected: yes.
Comment: This variant is considered likely benign or benign based on one or more of the following criteria: it is a conservative change, it occurs at a poorly conserved position in the protein, it is predicted to be benign by multiple in silico algorithms, and/or has population frequency not consistent with disease.

Ambry Genetics
Classification: Benign for Cardiovascular phenotype. Last evaluated: 2013-01-16. Review status: criteria provided, single submitter. Criteria: Ambry Autosomal Dominant and X-Linked criteria (10/2015). Collection method: clinical testing. Allele origin: germline. Observed: 1 variant allele.

Laboratory for Molecular Medicine, Mass General Brigham Personalized Medicine
Classification: Benign. Last evaluated: 2012-04-19. Review status: criteria provided, single submitter. Criteria: LMM Criteria. Collection method: clinical testing. Allele origin: germline. Observed: 122 variant alleles.

Breakthrough Genomics
Classification: Benign. Review status: criteria provided, single submitter. Criteria: ACMG Guidelines, 2015. Collection method: not provided. Allele origin: germline. Inheritance: Autosomal recessive inheritance. Affected: yes.

PreventionGenetics, part of Exact Sciences
Classification: Benign. Review status: criteria provided, single submitter. Criteria: ACMG Guidelines, 2015. Collection method: clinical testing. Allele origin: germline.

Clinical Genetics DNA and cytogenetics Diagnostics Lab, Erasmus MC, Erasmus Medical Center
Classification: Benign. Review status: no assertion criteria provided. Collection method: clinical testing. Allele origin: germline. Affected: yes. Study: VKGL Data-share Consensus. Not counted in ClinVar's aggregate classification.

Clinical Genetics, Academic Medical Center
Classification: Benign. Review status: no assertion criteria provided. Collection method: clinical testing. Allele origin: germline. Affected: yes. Study: VKGL Data-share Consensus. Not counted in ClinVar's aggregate classification.

Laboratory of Diagnostic Genome Analysis, Leiden University Medical Center (LUMC)
Classification: Benign. Review status: no assertion criteria provided. Collection method: clinical testing. Allele origin: germline. Affected: yes. Study: VKGL Data-share Consensus. Not counted in ClinVar's aggregate classification.

NM_001267550.2(TTN):c.28662G>A (p.Arg9554=)

Gene: TTN (titin; minus strand). Cytogenetic location: 2q31.2.
Variant type: single nucleotide variant.
Coding change: c.28662G>A on transcript NM_001267550.2 (MANE Select); coding-DNA position 28662, G replaced by A.
Protein change: p.Arg9554=; no amino-acid change (arginine 9554 retained).
Molecular consequence: synonymous variant. On other transcripts: intron variant (3).
Genome position (GRCh38, 1-based): chr2:178,709,657, C>T on the plus strand (G>A on the coding strand, the complement: TTN is on the minus strand). VCF-style: chr2-178709657-C-T. GRCh37 (hg19) VCF-style: chr2-179574384-C-T.
Other names: p.R8310R:AGG>AGA; p.Arg8310=; c.27711G>A, p.Arg9237= (NM_001256850.1); c.24930G>A, p.Arg8310= (NM_133378.4); c.13282+28425G>A (NM_003319.4); c.13858+28425G>A (NM_133437.4); c.13657+28425G>A (NM_133432.3).
Identifiers: ClinVar variation 46812 (VCV000046812.38), dbSNP rs2742332, ClinGen allele CA283036.